The following is an entry in ClinVar:

NM_000562.3(C8A):c.800T>C (p.Val267Ala)

Gene: C8A (complement C8 alpha chain; plus strand). Cytogenetic location: 1p32.2.
Variant type: single nucleotide variant.
Coding change: c.800T>C on transcript NM_000562.3 (MANE Select); coding-DNA position 800, T replaced by C.
Protein change: p.Val267Ala; replaces valine 267 with alanine.
Molecular consequence: missense variant.
Genome position (GRCh38, 1-based): chr1:56,883,626, T>C. VCF-style: chr1-56883626-T-C. GRCh37 (hg19) VCF-style: chr1-57349299-T-C.
Other names: short protein forms V267A.
Identifiers: ClinVar variation 2048374 (VCV002048374.2), dbSNP rs145325749, ClinGen allele CA875163.
Genomic context (GRCh38, chr1:56,883,626, plus strand): 5'-CATTTGGAGTGACCATCGGCATAGGCCCAGCCGGCAGCCCTTTATTGGTGGGTGTAGGTG[T>C]ATCCCACTCACAAGACACTTCATTCTTGAACGAATTAAACAAGTATAATGAGAAGGTATT-3'
Protein context (NP_000553.1, residues 257-277): AGSPLLVGVG[Val267Ala]SHSQDTSFLN

ClinVar aggregate classification (germline): Uncertain significance (1 of 4 stars; one submission).

Allele frequency attached by ClinVar (database versions not stated): gnomAD 0.00001; TOPMed 0.00001; ExAC 0.00002; gnomAD exomes 0.00002; ESP Exome Variant Server 0.00008.
gnomAD v4.1: 13 of 1,613,816 alleles (0.00081%); highest among the groups gnomAD compares: East Asian, 0.02%; no homozygotes.

Submission:

Labcorp Genetics (formerly Invitae), Labcorp
Classification: Uncertain significance. Last evaluated: 2022-05-25. Review status: criteria provided, single submitter. Criteria: Invitae Variant Classification Sherloc (09022015). Collection method: clinical testing. Allele origin: germline.
Comment: Algorithms developed to predict the effect of missense changes on protein structure and function output the following: SIFT: "Tolerated"; PolyPhen-2: "Benign"; Align-GVGD: "Class C0". The alanine amino acid residue is found in multiple mammalian species, which suggests that this missense change does not adversely affect protein function. This variant has not been reported in the literature in individuals affected with C8A-related conditions. This variant is present in population databases (rs145325749, gnomAD 0.02%). This sequence change replaces valine, which is neutral and non-polar, with alanine, which is neutral and non-polar, at codon 267 of the C8A protein (p.Val267Ala). In summary, the available evidence is currently insufficient to determine the role of this variant in disease. Therefore, it has been classified as a Variant of Uncertain Significance.